The following is an entry in ClinVar:

ClinVar aggregate classification (germline): Conflicting classifications of pathogenicity. Review status: criteria provided, conflicting classifications (1 of 4 stars). 2 submissions from 2 submitters: Uncertain significance (1); Likely benign (1). Last evaluated 2025-04-11.

Conditions:
Inborn genetic diseases. Identifiers: MedGen C0950123, MeSH D030342.

Allele frequency attached by ClinVar (database versions not stated): gnomAD 0.00001; TOPMed 0.00001; gnomAD exomes 0.00002 and below 0.00001.

Submissions (2):

Ambry Genetics
Classification: Likely benign for Inborn genetic diseases. Last evaluated: 2025-04-11. Review status: criteria provided, single submitter. Criteria: Ambry Variant Classification Scheme 2023. Collection method: clinical testing. Allele origin: germline.

Labcorp Genetics (formerly Invitae), Labcorp
Classification: Uncertain significance. Last evaluated: 2021-03-12. Review status: criteria provided, single submitter. Criteria: Invitae Variant Classification Sherloc (09022015). Collection method: clinical testing. Allele origin: germline.
Comment: In summary, the available evidence is currently insufficient to determine the role of this variant in disease. Therefore, it has been classified as a Variant of Uncertain Significance. Algorithms developed to predict the effect of sequence changes on RNA splicing suggest that this variant may create or strengthen a splice site, but this prediction has not been confirmed by published transcriptional studies. Algorithms developed to predict the effect of missense changes on protein structure and function output the following: SIFT: "Tolerated"; PolyPhen-2: "Benign"; Align-GVGD: "Class C0". The valine amino acid residue is found in multiple mammalian species, suggesting that this missense change does not adversely affect protein function. These predictions have not been confirmed by published functional studies and their clinical significance is uncertain. This variant has not been reported in the literature in individuals with LAMC3-related conditions. This variant is not present in population databases (ExAC no frequency). This sequence change replaces methionine with valine at codon 1080 of the LAMC3 protein (p.Met1080Val). The methionine residue is weakly conserved and there is a small physicochemical difference between methionine and valine.

NM_006059.4(LAMC3):c.3238A>G (p.Met1080Val)

Gene: LAMC3 (laminin subunit gamma 3; plus strand). Cytogenetic location: 9q34.12.
Variant type: single nucleotide variant.
Coding change: c.3238A>G on transcript NM_006059.4 (MANE Select); coding-DNA position 3238, A replaced by G.
Protein change: p.Met1080Val; replaces methionine 1080 with valine.
Molecular consequence: missense variant.
Genome position (GRCh38, 1-based): chr9:131,072,656, A>G. VCF-style: chr9-131072656-A-G. GRCh37 (hg19) VCF-style: chr9-133948043-A-G.
Other names: c.3238A>G (NM_006059.3); short protein forms M1080V.
Identifiers: ClinVar variation 1516267 (VCV001516267.8), dbSNP rs1238856355, ClinGen allele CA375258477.